The following is an entry in ClinVar:

NM_000214.3(JAG1):c.1951T>C (p.Tyr651His)

Gene: JAG1 (jagged canonical Notch ligand 1; minus strand). Cytogenetic location: 20p12.2.
Variant type: single nucleotide variant.
Coding change: c.1951T>C on transcript NM_000214.3 (MANE Select); coding-DNA position 1951, T replaced by C.
Protein change: p.Tyr651His; replaces tyrosine 651 with histidine.
Molecular consequence: missense variant.
Genome position (GRCh38, 1-based): chr20:10,646,019, A>G on the plus strand (T>C on the coding strand, the complement: JAG1 is on the minus strand). VCF-style: chr20-10646019-A-G. GRCh37 (hg19) VCF-style: chr20-10626667-A-G.
Other names: short protein forms Y651H.
Identifiers: ClinVar variation 2765252 (VCV002765252.3), dbSNP rs2122604469, ClinGen allele CA408235760.
Genomic context (GRCh38, chr20:10,646,019, plus strand): 5'-TGGCAGACTCACTGGTTTCACAGTAGGCCCCCTCCCAGCCGTCACTACAGATGCACTTGT[A>G]GGAGTTGACACCATCGATGCAAGTGCCACCGTTTCTACAAGGGTTGCTCTCACAGTCATT-3'
Protein context (NP_000205.1, residues 641-661): GGTCIDGVNS[Tyr651His]KCICSDGWEG

ClinVar aggregate classification (germline): Uncertain significance (1 of 4 stars; one submission).

Conditions:
Alagille syndrome due to a JAG1 point mutation. Also called: JAG1-Related Alagille Syndrome; HEPATIC DUCTULAR HYPOPLASIA, SYNDROMATIC; Alagille Syndrome 1. Identifiers: Orphanet 261619, Orphanet 52, MedGen C1956125, MONDO:0016862, OMIM 118450.

Submission:

Labcorp Genetics (formerly Invitae), Labcorp
Classification: Uncertain significance for Alagille syndrome due to a JAG1 point mutation. Last evaluated: 2023-10-04. Review status: criteria provided, single submitter. Criteria: Invitae Variant Classification Sherloc (09022015). Collection method: clinical testing. Allele origin: germline.
Comment: This sequence change replaces tyrosine, which is neutral and polar, with histidine, which is basic and polar, at codon 651 of the JAG1 protein (p.Tyr651His). This variant is not present in population databases (gnomAD no frequency). This variant has not been reported in the literature in individuals affected with JAG1-related conditions. Advanced modeling of protein sequence and biophysical properties (such as structural, functional, and spatial information, amino acid conservation, physicochemical variation, residue mobility, and thermodynamic stability) has been performed at Invitae for this missense variant, however the output from this modeling did not meet the statistical confidence thresholds required to predict the impact of this variant on JAG1 protein function. In summary, the available evidence is currently insufficient to determine the role of this variant in disease. Therefore, it has been classified as a Variant of Uncertain Significance.